The following is an entry in ClinVar:

NM_144687.4(NLRP12):c.2225G>A (p.Cys742Tyr)

Gene: NLRP12 (NLR family pyrin domain containing 12; minus strand). Cytogenetic location: 19q13.42.
Variant type: single nucleotide variant.
Coding change: c.2225G>A on transcript NM_144687.4 (MANE Select); coding-DNA position 2225, G replaced by A.
Protein change: p.Cys742Tyr; replaces cysteine 742 with tyrosine.
Molecular consequence: missense variant.
Genome position (GRCh38, 1-based): chr19:53,807,513, C>T on the plus strand (G>A on the coding strand, the complement: NLRP12 is on the minus strand). VCF-style: chr19-53807513-C-T. GRCh37 (hg19) VCF-style: chr19-54310767-C-T.
Other names: c.2228G>A, p.Cys743Tyr (NM_001277126.2); c.2225G>A, p.Cys742Tyr (NM_001277129.1); short protein forms C742Y, C743Y.
Identifiers: ClinVar variation 2882173 (VCV002882173.3), dbSNP rs2514309012, ClinGen allele CA407411172.

ClinVar aggregate classification (germline): Uncertain significance (1 of 4 stars; one submission).

Conditions:
Familial cold autoinflammatory syndrome 2 (FCAS2). Identifiers: Orphanet 247868, MedGen C2673198, MONDO:0012724, OMIM 611762.

Allele frequency attached by ClinVar (database versions not stated): gnomAD exomes below 0.00001.
gnomAD v4.1: 1 of 1,613,978 alleles (0.000062%); highest among the groups gnomAD compares: Non-Finnish European, 0.000085%; no homozygotes.

Submission:

Labcorp Genetics (formerly Invitae), Labcorp
Classification: Uncertain significance for Familial cold autoinflammatory syndrome 2. Last evaluated: 2023-08-02. Review status: criteria provided, single submitter. Criteria: Invitae Variant Classification Sherloc (09022015). Collection method: clinical testing. Allele origin: germline.
Comment: An algorithm developed to predict the effect of missense changes on protein structure and function (PolyPhen-2) suggests that this variant is likely to be disruptive. This sequence change replaces cysteine, which is neutral and slightly polar, with tyrosine, which is neutral and polar, at codon 742 of the NLRP12 protein (p.Cys742Tyr). This variant is not present in population databases (gnomAD no frequency). This variant has not been reported in the literature in individuals affected with NLRP12-related conditions. In summary, the available evidence is currently insufficient to determine the role of this variant in disease. Therefore, it has been classified as a Variant of Uncertain Significance.